The following is an entry in ClinVar:

ClinVar aggregate classification (germline): Conflicting classifications of pathogenicity. Review status: criteria provided, conflicting classifications (1 of 4 stars). 5 submissions from 5 submitters: Uncertain significance (1); Benign (1); Likely benign (2). 1 of the submissions does not count toward it. Last evaluated 2025-10-08.

Conditions:
TRPM1-related disorder. Also called: TRPM1-related condition.
Congenital stationary night blindness 1C. Also called: Night blindness, congenital stationary (complete), 1C, autosomal recessive. Identifiers: Orphanet 215, MedGen C2750747, MONDO:0013183, OMIM 613216.

Allele frequency attached by ClinVar (database versions not stated): TOPMed 0.00003; gnomAD 0.00007 and 0.00009; ESP Exome Variant Server 0.00008; gnomAD exomes 0.00018 and 0.00029; 1000 Genomes Project 0.00020; 1000 Genomes Project 30x 0.00031; ExAC 0.00032.
gnomAD v4.1: 284 of 1,611,660 alleles (0.018%); highest among the groups gnomAD compares: Middle Eastern, 0.14%; no homozygotes.

Submissions (5):

Labcorp Genetics (formerly Invitae), Labcorp
Classification: Likely benign. Last evaluated: 2025-10-08. Review status: criteria provided, single submitter. Criteria: Invitae Variant Classification Sherloc (09022015). Collection method: clinical testing. Allele origin: germline.

Laboratory of Genetics, Children's Clinical University Hospital Latvia
Classification: Benign. Last evaluated: 2025-02-16. Review status: criteria provided, single submitter. Criteria: ACMG Guidelines, 2015. Collection method: clinical testing. Allele origin: germline. Affected: yes.

Blueprint Genetics
Classification: Likely benign. Last evaluated: 2023-12-29. Review status: criteria provided, single submitter. Criteria: ACMG Guidelines, 2015. Collection method: clinical testing. Allele origin: germline.

Illumina Laboratory Services, Illumina
Classification: Uncertain significance for Congenital stationary night blindness 1C. Last evaluated: 2018-01-13. Review status: criteria provided, single submitter. Criteria: ICSL Variant Classification Criteria 13 December 2019. Collection method: clinical testing. Allele origin: germline.

PreventionGenetics, part of Exact Sciences
Classification: Likely benign for TRPM1-related condition. Last evaluated: 2019-06-26. Review status: no assertion criteria provided. Collection method: clinical testing. Allele origin: germline. Not counted in ClinVar's aggregate classification.
Comment: This variant is classified as likely benign based on ACMG/AMP sequence variant interpretation guidelines (Richards et al. 2015 PMID: 25741868, with internal and published modifications).

NM_001252024.2(TRPM1):c.3624T>C (p.Ser1208=)

Genes: TRPM1 (transient receptor potential cation channel subfamily M member 1; minus strand), LOC126862088 (BRD4-independent group 4 enhancer GRCh37_chr15:31318084-31319283; plus strand). Cytogenetic location: 15q13.3.
Variant type: single nucleotide variant.
Coding change: c.3624T>C on transcript NM_001252024.2 (MANE Select); coding-DNA position 3624, T replaced by C.
Protein change: p.Ser1208=; no amino-acid change (serine 1208 retained).
Molecular consequence: synonymous variant.
Genome position (GRCh38, 1-based): chr15:31,026,144, A>G on the plus strand (T>C on the coding strand, the complement: TRPM1 is on the minus strand). VCF-style: chr15-31026144-A-G. GRCh37 (hg19) VCF-style: chr15-31318347-A-G.
Other names: c.3675T>C, p.Ser1225= (NM_001252020.2); c.3558T>C, p.Ser1186= (NM_002420.6); c.3675T>C (NM_001252020.1).
Identifiers: ClinVar variation 315502 (VCV000315502.17), dbSNP rs370122578, ClinGen allele CA7451825.